The following is an entry in ClinVar:

NM_002382.5(MAX):c.97C>T (p.Arg33Ter)

Genes: MAX (MYC associated transcriptional regulator X; minus strand), MAX-AS1 (MAX antisense RNA 1; plus strand). Cytogenetic location: 14q23.3.
Variant type: single nucleotide variant.
Coding change: c.97C>T on transcript NM_002382.5 (MANE Select); coding-DNA position 97, C replaced by T.
Protein change: p.Arg33Ter; replaces arginine 33 with a stop codon.
Molecular consequence: nonsense. On other transcripts: non-coding transcript variant (1), 5 prime UTR variant (1), synonymous variant (1).
Genome position (GRCh38, 1-based): chr14:65,093,782, G>A on the plus strand (C>T on the coding strand, the complement: MAX is on the minus strand). VCF-style: chr14-65093782-G-A. GRCh37 (hg19) VCF-style: chr14-65560500-G-A.
Other names: p.Arg33*; c.70C>T, p.Arg24Ter (NM_001271068.2, NM_001271069.2, NM_001407095.1 and 9 more transcripts); c.-178C>T (NM_001320415.2, NM_001407105.1, NM_001407106.1 and 1 more transcripts); c.97C>T, p.Arg33Ter (NM_001407094.1, NM_001407096.1, NM_001407097.1 and 5 more transcripts); c.-271C>T (NM_001407111.1, NM_001407112.1); c.120C>T, p.Asn40= (NM_001407114.1); short protein forms R33*, R24*.
Identifiers: ClinVar variation 29788 (VCV000029788.23), dbSNP rs387906651, ClinGen allele CA128642.
Genomic context (GRCh38, chr14:65,093,782, plus strand): 5'-GTGATGGGACTGAGTCCCGCAAACTGTGAAAGCTGTCTTTGATGTGGTCCCTACGTTTTC[G>A]TTCCAGTGCATTATGATGAGCCCGTTTGTCAGCCTAGAAGAATGGGAGAAAGAACACATT-3'

ClinVar aggregate classification (germline): Pathogenic. Review status: criteria provided, multiple submitters, no conflicts (2 of 4 stars). 7 submissions from 7 submitters: Pathogenic (6). 1 of the submissions does not count toward it. Last evaluated 2025-11-05.
ClinVar aggregate classification (oncogenicity): Likely oncogenic (1 of 4 stars; one submission).

Conditions:
MULTIPLE ENDOCRINE NEOPLASIA, TYPE V (MEN5). Identifiers: MedGen CN382240, OMIM 621678.
Hereditary cancer-predisposing syndrome. Also called: Neoplastic Syndromes, Hereditary; Tumor predisposition; Hereditary neoplastic syndrome; Hereditary Cancer Syndrome. Identifiers: Orphanet 140162, MedGen C0027672, MeSH D009386, MONDO:0015356.
Hereditary pheochromocytoma and paraganglioma. Also called: Hereditary paragangliomas and pheochromocytomas; Hereditary pheochromocytoma-paraganglioma; Hereditary Paraganglioma-Pheochromocytoma Syndromes. Identifiers: Orphanet 29072, MedGen C4274332, MONDO:0017366.
Pheochromocytoma. Also called: MAX-Related Hereditary Paraganglioma-Pheochromocytoma Syndrome. Identifiers: Orphanet 29072, MedGen C0031511, MONDO:0008233, OMIM 171300, HP:0002666.
Neoplasm. Also called: Neoplasms; Neoplasm (disease); tumor. Identifiers: MedGen C0027651, MeSH D009369, MONDO:0005070, HP:0002664.

Submissions (8):

Center for Genomic Medicine, Rigshospitalet, Copenhagen University Hospital
Classification: Likely oncogenic for Neoplasm. Last evaluated: 2026-10-16. Review status: criteria provided, single submitter. Criteria: ClinGen/CGC/VICC Guidelines for Oncogenicity, 2022. Collection method: clinical testing. Allele origin: somatic. Affected: yes.

Labcorp Genetics (formerly Invitae), Labcorp
Classification: Pathogenic for Hereditary pheochromocytoma and paraganglioma. Last evaluated: 2025-11-05. Review status: criteria provided, single submitter. Criteria: Invitae Variant Classification Sherloc (09022015). Collection method: clinical testing. Allele origin: germline.
Comment: This sequence change creates a premature translational stop signal (p.Arg33*) in the MAX gene. It is expected to result in an absent or disrupted protein product. Loss-of-function variants in MAX are known to be pathogenic (PMID: 21685915, 26070438). This variant is not present in population databases (gnomAD no frequency). This premature translational stop signal has been observed in individual(s) with sporadic or hereditary pheochromocytoma (PMID: 21685915, 22452945, 27838885). ClinVar contains an entry for this variant (Variation ID: 29788). For these reasons, this variant has been classified as Pathogenic.

Mayo Clinic Laboratories, Mayo Clinic
Classification: Pathogenic. Last evaluated: 2025-07-14. Review status: criteria provided, single submitter. Criteria: ACMG Guidelines, 2015. Collection method: clinical testing. Allele origin: germline. Observed: 1 variant allele.
Comment: PP1, PP4, PM2_supporting, PS4_moderate, PVS1

Laboratory of Genetics, Children's Clinical University Hospital Latvia
Classification: Pathogenic. Last evaluated: 2025-02-16. Review status: criteria provided, single submitter. Criteria: ACMG Guidelines, 2015. Collection method: clinical testing. Allele origin: germline. Affected: yes.

ARUP Laboratories, Molecular Genetics and Genomics, ARUP Laboratories
Classification: Pathogenic for Pheochromocytoma. Last evaluated: 2024-12-30. Review status: criteria provided, single submitter. Criteria: ARUP Molecular Germline Variant Investigation Process 2024. Collection method: clinical testing. Allele origin: germline.
Comment: The MAX c.97C>T; p.Arg33Ter variant (rs387906651, ClinVar Variation ID: 29788) is reported in the literature in numerous individuals affected with pheochromocytomas (Burnichon 2012, Casey 2017, Duarte 2021, Romanet 2017). This variant is absent from the Genome Aggregation Database (v2.1.1), indicating it is not a common polymorphism. This variant induces an early termination codon and is predicted to result in a truncated protein or mRNA subject to nonsense-mediated decay. Based on available information, this variant is considered to be pathogenic. References: Burnichon N et al. MAX mutations cause hereditary and sporadic pheochromocytoma and paraganglioma. Clin Cancer Res. 2012 May 15;18(10):2828-37. PMID: 22452945. Casey RT et al. Clinical and Molecular Features of Renal and Pheochromocytoma/Paraganglioma Tumor Association Syndrome (RAPTAS): Case Series and Literature Review. J Clin Endocrinol Metab. 2017 Nov 1;102(11):4013-4022. PMID: 28973655. Duarte DB et al. Case Report: Pheochromocytoma and Synchronous Neuroblastoma in a Family With Hereditary Pheochromocytoma Associated With a MAX Deleterious Variant. Front Endocrinol (Lausanne). 2021 Mar 17;12:609263. PMID: 33815275. Romanet P et al. Pathological and Genetic Characterization of Bilateral Adrenomedullary Hyperplasia in a Patient with Germline MAX Mutation. Endocr Pathol. 2017 Dec;28(4):302-307. PMID: 27838885.

Ambry Genetics
Classification: Pathogenic for Hereditary cancer-predisposing syndrome. Last evaluated: 2024-08-07. Review status: criteria provided, single submitter. Criteria: Ambry Variant Classification Scheme 2023. Collection method: clinical testing. Allele origin: germline.
Comment: The p.R33* pathogenic mutation (also known as c.97C>T), located in coding exon 3 of the MAX gene, results from a C to T substitution at nucleotide position 97. This changes the amino acid from an arginine to a stop codon within coding exon 3. This alteration has been reported in numerous individuals diagnosed with early-onset pheochromocytoma and paraganglioma (Comino-M&eacute;ndez I et al. Nat. Genet. 2011 Jun;43:663-7; Burnichon N et al. Clin. Cancer Res. 2012 May;18:2828-37). In addition to the clinical data presented in the literature, this alteration is expected to result in loss of function by premature protein truncation or nonsense-mediated mRNA decay. As such, this alteration is interpreted as a disease-causing mutation.

KCCC/NGS Laboratory, Kuwait Cancer Control Center
Classification: Pathogenic for Pheochromocytoma. Last evaluated: 2023-09-17. Review status: criteria provided, single submitter. Criteria: ACMG Guidelines, 2015. Collection method: clinical testing. Allele origin: germline. Inheritance: Autosomal dominant inheritance. Affected: yes. Observed: 1 heterozygote.
Comment: This sequence change creates a premature translational stop signal (p.Arg33*) in the MAX gene. It is expected to result in an absent or disrupted protein product. Loss-of-function variants in MAX are known to be pathogenic (PMID: 21685915, 26070438). This variant is not present in population databases (gnomAD no frequency). This premature translational stop signal has been observed in individual(s) with sporadic or hereditary pheochromocytoma (PMID: 21685915, 22452945, 27838885). ClinVar contains an entry for this variant (Variation ID: 29788) classified as Pathogenic . For these reasons, this variant has been classified as Pathogenic.

OMIM
Classification: Pathogenic for MULTIPLE ENDOCRINE NEOPLASIA, TYPE V. Last evaluated: 2011-06-19. Review status: no assertion criteria provided. Collection method: literature only. Allele origin: germline. Not counted in ClinVar's aggregate classification.

Literature cited by the submitters: PubMed 21685915 (cited by 4 submitters); PubMed 26070438 (cited by Labcorp Genetics (formerly Invitae), Labcorp); PubMed 22452945 (cited by 3 submitters); PubMed 27838885 (cited by Labcorp Genetics (formerly Invitae), Labcorp and Ambry Genetics); PubMed 28973655 (cited by Mayo Clinic Laboratories, Mayo Clinic); PubMed 33815275 (cited by Mayo Clinic Laboratories, Mayo Clinic).